The following is an entry in ClinVar:

ClinVar aggregate classification (germline): Uncertain significance. Review status: criteria provided, multiple submitters, no conflicts (2 of 4 stars). 2 submissions from 2 submitters: Uncertain significance (2). Last evaluated 2022-06-24.

Conditions:
Catecholaminergic polymorphic ventricular tachycardia 1. Also called: VENTRICULAR TACHYCARDIA, CATECHOLAMINERGIC POLYMORPHIC, 1, WITH OR WITHOUT ATRIAL DYSFUNCTION AND/OR DILATED CARDIOMYOPATHY; RYR2-Related Catecholaminergic Polymorphic Ventricular Tachycardia; VENTRICULAR TACHYCARDIA, STRESS-INDUCED POLYMORPHIC 1. Identifiers: Orphanet 3286, MedGen C1631597, MONDO:0011484, OMIM 604772.

Submissions (2):

Victorian Clinical Genetics Services, Murdoch Childrens Research Institute
Classification: Uncertain significance for Catecholaminergic polymorphic ventricular tachycardia 1. Last evaluated: 2022-06-24. Review status: criteria provided, single submitter. Criteria: ACMG Guidelines, 2015. Collection method: clinical testing. Allele origin: germline. Inheritance: Autosomal dominant inheritance. Affected: yes.
Comment: Based on the classification scheme VCGS_Germline_v1.3.4, this variant is classified as VUS-3B. Following criteria are met: 0103 - Dominant negative and gain of function are known mechanisms of disease in this gene and are associated with catecholaminergic polymorphic ventricular tachycardia 1 (MIM#604772) and left ventricular non-compaction (PMIDs: 12459180, 27646203, 29477366, 31875585, 33500567). (I) 0107 - This gene is associated with autosomal dominant disease. (I) 0112 - The condition associated with this gene has incomplete penetrance. The penetrance estimates for CPVT is 60-70% (PMID: 23549275). (I) 0200 - Variant is predicted to result in a missense amino acid change from lysine to glutamic acid. (I) 0251 - This variant is heterozygous. (I) 0301 - Variant is absent from gnomAD (both v2 and v3). (SP) 0503 - Missense variant consistently predicted to be tolerated by multiple in silico tools or not conserved in placental mammals with a minor amino acid change. (SB) 0600 - Variant is located in the annotated coiled coil motif (UniProt). (I) 0705 - No comparable missense variants have previous evidence for pathogenicity. (I) 0809 - Previous evidence of pathogenicity for this variant is inconclusive. This variant has been classified once as a VUS by a clinical diagnostic laboratory (ClinVar). (I) 0905 - No published segregation evidence has been identified for this variant. (I) 1007 - No published functional evidence has been identified for this variant. (I) 1208 - Inheritance information for this variant is not currently available in this individual. (I) Legend: (SP) - Supporting pathogenic, (I) - Information, (SB) - Supporting benign

Labcorp Genetics (formerly Invitae), Labcorp
Classification: Uncertain significance for Catecholaminergic polymorphic ventricular tachycardia 1. Last evaluated: 2021-06-18. Review status: criteria provided, single submitter. Criteria: Invitae Variant Classification Sherloc (09022015). Collection method: clinical testing. Allele origin: germline.
Comment: In summary, the available evidence is currently insufficient to determine the role of this variant in disease. Therefore, it has been classified as a Variant of Uncertain Significance. Advanced modeling of protein sequence and biophysical properties (such as structural, functional, and spatial information, amino acid conservation, physicochemical variation, residue mobility, and thermodynamic stability) performed at Invitae indicates that this missense variant is not expected to disrupt RYR2 protein function. This variant has not been reported in the literature in individuals with RYR2-related conditions. This variant is not present in population databases (ExAC no frequency). This sequence change replaces lysine with glutamic acid at codon 4425 of the RYR2 protein (p.Lys4425Glu). The lysine residue is highly conserved and there is a small physicochemical difference between lysine and glutamic acid.

Literature cited by the submitters: PubMed 12459180 (cited by Victorian Clinical Genetics Services, Murdoch Childrens Research Institute); PubMed 23549275 (cited by Victorian Clinical Genetics Services, Murdoch Childrens Research Institute); PubMed 27646203 (cited by Victorian Clinical Genetics Services, Murdoch Childrens Research Institute); PubMed 29477366 (cited by Victorian Clinical Genetics Services, Murdoch Childrens Research Institute); PubMed 31875585 (cited by Victorian Clinical Genetics Services, Murdoch Childrens Research Institute); PubMed 33500567 (cited by Victorian Clinical Genetics Services, Murdoch Childrens Research Institute).

NM_001035.3(RYR2):c.13273A>G (p.Lys4425Glu)

Gene: RYR2 (ryanodine receptor 2; plus strand). Cytogenetic location: 1q43.
Variant type: single nucleotide variant.
Coding change: c.13273A>G on transcript NM_001035.3 (MANE Select); coding-DNA position 13273, A replaced by G.
Protein change: p.Lys4425Glu; replaces lysine 4425 with glutamic acid.
Molecular consequence: missense variant.
Genome position (GRCh38, 1-based): chr1:237,785,981, A>G. VCF-style: chr1-237785981-A-G. GRCh37 (hg19) VCF-style: chr1-237949281-A-G.
Other names: short protein forms K4425E.
Identifiers: ClinVar variation 1423135 (VCV001423135.11), dbSNP rs2149359920, ClinGen allele CA345415817.